The following is an entry in ClinVar:

NM_001329943.3(KIAA0586):c.2062A>G (p.Thr688Ala)

Gene: KIAA0586 (KIAA0586; plus strand). Cytogenetic location: 14q23.1.
Variant type: single nucleotide variant.
Coding change: c.2062A>G on transcript NM_001329943.3 (MANE Select); coding-DNA position 2062, A replaced by G.
Protein change: p.Thr688Ala; replaces threonine 688 with alanine.
Molecular consequence: missense variant.
Genome position (GRCh38, 1-based): chr14:58,465,837, A>G. VCF-style: chr14-58465837-A-G. GRCh37 (hg19) VCF-style: chr14-58932555-A-G.
Other names: c.2221A>G, p.Thr741Ala (NM_001244189.2); c.2017A>G, p.Thr673Ala (NM_001244190.2); c.1807A>G, p.Thr603Ala (NM_001244191.2, NM_001329945.2, NM_001364700.1 and 1 more transcripts); c.1930A>G, p.Thr644Ala (NM_001244192.2); c.1642A>G, p.Thr548Ala (NM_001244193.2); c.2062A>G, p.Thr688Ala (NM_001329944.2, NM_001329946.2, NM_001329947.2); c.1834A>G, p.Thr612Ala (NM_014749.5); short protein forms T603A, T644A, T673A, T612A, T688A, T548A, T741A.
Identifiers: ClinVar variation 1506208 (VCV001506208.5), dbSNP rs2140939104, ClinGen allele CA389873738.

ClinVar aggregate classification (germline): Uncertain significance (1 of 4 stars; one submission).

Conditions:
Joubert syndrome 23 (JBTS23). Identifiers: Orphanet 475, MedGen C4084822, MONDO:0014664, OMIM 616490.
Short-rib thoracic dysplasia 14 with polydactyly (SRTD14). Identifiers: Orphanet 397715, MedGen C4225286, MONDO:0014688, OMIM 616546.

Submission:

Labcorp Genetics (formerly Invitae), Labcorp
Classification: Uncertain significance for Joubert syndrome 23; Short-rib thoracic dysplasia 14 with polydactyly. Last evaluated: 2023-08-04. Review status: criteria provided, single submitter. Criteria: Invitae Variant Classification Sherloc (09022015). Collection method: clinical testing. Allele origin: germline.
Comment: This variant is not present in population databases (gnomAD no frequency). This sequence change replaces threonine, which is neutral and polar, with alanine, which is neutral and non-polar, at codon 741 of the KIAA0586 protein (p.Thr741Ala). This variant has not been reported in the literature in individuals affected with KIAA0586-related conditions. In summary, the available evidence is currently insufficient to determine the role of this variant in disease. Therefore, it has been classified as a Variant of Uncertain Significance. An algorithm developed to predict the effect of missense changes on protein structure and function (PolyPhen-2) suggests that this variant is likely to be disruptive. ClinVar contains an entry for this variant (Variation ID: 1506208).